The following is an entry in ClinVar:

ClinVar aggregate classification (germline): Uncertain significance. Review status: criteria provided, multiple submitters, no conflicts (2 of 4 stars). 2 submissions from 2 submitters: Uncertain significance (2). Last evaluated 2025-01-17.

Conditions:
Inborn genetic diseases. Identifiers: MedGen C0950123, MeSH D030342.
Norman-Roberts syndrome (LIS2). Also called: Lissencephaly 2 (Norman-Roberts type). Identifiers: Orphanet 89844, MedGen C0796089, MONDO:0009760, OMIM 257320.
Familial temporal lobe epilepsy 7. Identifiers: Orphanet 101046, MedGen C4225327, MONDO:0014639, OMIM 616436.

Allele frequency attached by ClinVar (database versions not stated): ExAC 0.00001; gnomAD exomes 0.00001; TOPMed 0.00001.
gnomAD v4.1: 9 of 1,613,920 alleles (0.00056%); highest among the groups gnomAD compares: Middle Eastern, 0.017%; no homozygotes.

Submissions (2):

Labcorp Genetics (formerly Invitae), Labcorp
Classification: Uncertain significance for Familial temporal lobe epilepsy 7; Norman-Roberts syndrome. Last evaluated: 2025-01-17. Review status: criteria provided, single submitter. Criteria: Invitae Variant Classification Sherloc (09022015). Collection method: clinical testing. Allele origin: germline.
Comment: This sequence change replaces arginine, which is basic and polar, with glycine, which is neutral and non-polar, at codon 3110 of the RELN protein (p.Arg3110Gly). This variant is present in population databases (rs775535057, gnomAD 0.002%). This variant has not been reported in the literature in individuals affected with RELN-related conditions. ClinVar contains an entry for this variant (Variation ID: 2231475). Invitae Evidence Modeling of protein sequence and biophysical properties (such as structural, functional, and spatial information, amino acid conservation, physicochemical variation, residue mobility, and thermodynamic stability) indicates that this missense variant is not expected to disrupt RELN protein function with a negative predictive value of 80%. In summary, the available evidence is currently insufficient to determine the role of this variant in disease. Therefore, it has been classified as a Variant of Uncertain Significance.

Ambry Genetics
Classification: Uncertain significance for Inborn genetic diseases. Last evaluated: 2021-05-24. Review status: criteria provided, single submitter. Criteria: Ambry Variant Classification Scheme 2023. Collection method: clinical testing. Allele origin: germline.

NM_005045.4(RELN):c.9328C>G (p.Arg3110Gly)

Genes: SLC26A5-AS1 (SLC26A5 antisense RNA 1; plus strand), RELN (reelin; minus strand). Cytogenetic location: 7q22.1.
Variant type: single nucleotide variant.
Coding change: c.9328C>G on transcript NM_005045.4 (MANE Select); coding-DNA position 9328, C replaced by G.
Protein change: p.Arg3110Gly; replaces arginine 3110 with glycine.
Molecular consequence: missense variant.
Genome position (GRCh38, 1-based): chr7:103,495,764, G>C on the plus strand (C>G on the coding strand, the complement: RELN is on the minus strand). VCF-style: chr7-103495764-G-C. GRCh37 (hg19) VCF-style: chr7-103136211-G-C.
Other names: c.9328C>G, p.Arg3110Gly (NM_173054.3); short protein forms R3110G.
Identifiers: ClinVar variation 2231475 (VCV002231475.4), dbSNP rs775535057, ClinGen allele CA4420251.
Genomic context (GRCh38, chr7:103,495,764, plus strand): 5'-AAGAGCCACTTTTCCTTACTTTAAACTGCATCATGTATCCTGGCTGTATAATGAGTTCTC[G>C]GGAGGAGAGAGCATTGTGAGTCTTGTCCTTCTTTTTATTTGGCCAATAGAGGTGAAAGGA-3'
Protein context (NP_005036.2, residues 3100-3120): KDKTHNALSS[Arg3110Gly]ELIIQPGYMM